The following is an entry in ClinVar:

NM_000321.3(RB1):c.2384C>T (p.Ser795Leu)

Gene: RB1 (RB transcriptional corepressor 1; plus strand). Cytogenetic location: 13q14.2.
Variant type: single nucleotide variant.
Coding change: c.2384C>T on transcript NM_000321.3 (MANE Select); coding-DNA position 2384, C replaced by T.
Protein change: p.Ser795Leu; replaces serine 795 with leucine.
Molecular consequence: missense variant.
Genome position (GRCh38, 1-based): chr13:48,465,263, C>T. VCF-style: chr13-48465263-C-T. GRCh37 (hg19) VCF-style: chr13-49039399-C-T.
Other names: c.2384C>T, p.Ser795Leu (NM_001407165.1); short protein forms S795L.
Identifiers: ClinVar variation 4544336 (VCV004544336.1).

ClinVar aggregate classification (germline): Uncertain significance (1 of 4 stars; one submission).

Conditions:
Hereditary cancer-predisposing syndrome. Also called: Tumor predisposition; Hereditary Cancer Syndrome; Hereditary neoplastic syndrome; Neoplastic Syndromes, Hereditary. Identifiers: Orphanet 140162, MedGen C0027672, MeSH D009386, MONDO:0015356.

Submission:

Ambry Genetics
Classification: Uncertain significance for Hereditary cancer-predisposing syndrome. Last evaluated: 2025-12-12. Review status: criteria provided, single submitter. Criteria: Ambry Variant Classification Scheme 2023. Collection method: clinical testing. Allele origin: germline.
Comment: The p.S795L variant (also known as c.2384C>T), located in coding exon 23 of the RB1 gene, results from a C to T substitution at nucleotide position 2384. The serine at codon 795 is replaced by leucine, an amino acid with dissimilar properties. This amino acid position is highly conserved in available vertebrate species. In addition, the in silico prediction for this alteration is inconclusive. Based on the available evidence, the clinical significance of this variant remains unclear.